The following is an entry in ClinVar:

ClinVar aggregate classification (germline): Uncertain significance (1 of 4 stars; one submission).

Conditions:
Progressive myoclonic epilepsy type 5. Identifiers: Orphanet 402082, MedGen C5190799.

Allele frequency attached by ClinVar (database versions not stated): gnomAD exomes 0.00001.

Submission:

Labcorp Genetics (formerly Invitae), Labcorp
Classification: Uncertain significance for Progressive myoclonic epilepsy type 5. Last evaluated: 2023-08-10. Review status: criteria provided, single submitter. Criteria: Invitae Variant Classification Sherloc (09022015). Collection method: clinical testing. Allele origin: germline.
Comment: This sequence change replaces serine, which is neutral and polar, with asparagine, which is neutral and polar, at codon 482 of the PRICKLE2 protein (p.Ser482Asn). This variant is not present in population databases (gnomAD no frequency). This variant has not been reported in the literature in individuals affected with PRICKLE2-related conditions. ClinVar contains an entry for this variant (Variation ID: 1375964). Advanced modeling of protein sequence and biophysical properties (such as structural, functional, and spatial information, amino acid conservation, physicochemical variation, residue mobility, and thermodynamic stability) performed at Invitae indicates that this missense variant is not expected to disrupt PRICKLE2 protein function. In summary, the available evidence is currently insufficient to determine the role of this variant in disease. Therefore, it has been classified as a Variant of Uncertain Significance.

NM_198859.4(PRICKLE2):c.1445G>A (p.Ser482Asn)

Gene: PRICKLE2 (prickle planar cell polarity protein 2; minus strand). Cytogenetic location: 3p14.1.
Variant type: single nucleotide variant.
Coding change: c.1445G>A on transcript NM_198859.4 (MANE Select); coding-DNA position 1445, G replaced by A.
Protein change: p.Ser482Asn; replaces serine 482 with asparagine.
Molecular consequence: missense variant.
Genome position (GRCh38, 1-based): chr3:64,147,045, C>T on the plus strand (G>A on the coding strand, the complement: PRICKLE2 is on the minus strand). VCF-style: chr3-64147045-C-T. GRCh37 (hg19) VCF-style: chr3-64132721-C-T.
Other names: c.1445G>A, p.Ser482Asn (NM_001370528.1); short protein forms S482N.
Identifiers: ClinVar variation 1375964 (VCV001375964.6), dbSNP rs2107015068, ClinGen allele CA353429426.